The following is an entry in ClinVar:

ClinVar aggregate classification (germline): Likely benign (1 of 4 stars; one submission).

Conditions:
TTN-related disorder. Also called: TTN-related disorders; TTN-related condition; TTN-related disease.

gnomAD v4.1: 32 of 1,611,088 alleles (0.002%); highest among the groups gnomAD compares: Admixed American, 0.049%; 1 homozygote.

Submission:

PreventionGenetics, part of Exact Sciences
Classification: Likely benign for TTN-related condition. Last evaluated: 2025-06-04. Review status: criteria provided, single submitter. Criteria: ACMG Guidelines, 2015. Collection method: clinical testing. Allele origin: germline.
Comment: This variant is classified as likely benign based on ACMG/AMP sequence variant interpretation guidelines (Richards et al. 2015 PMID: 25741868, with internal and published modifications).

NM_001267550.2(TTN):c.46966+6C>A

Genes: TTN (titin; minus strand), TTN-AS1 (TTN antisense RNA 1; plus strand). Cytogenetic location: 2q31.2.
Variant type: single nucleotide variant.
Coding change: c.46966+6C>A on transcript NM_001267550.2 (MANE Select); 6 bases into the intron after coding-DNA position 46966, C replaced by A.
Molecular consequence: intron variant.
Genome position (GRCh38, 1-based): chr2:178,618,578, G>T on the plus strand (C>A on the coding strand, the complement: TTN is on the minus strand). VCF-style: chr2-178618578-G-T. GRCh37 (hg19) VCF-style: chr2-179483305-G-T.
Other names: c.19771+6C>A (NM_003319.4); c.20347+6C>A (NM_133437.4); c.20146+6C>A (NM_133432.3); c.39262+6C>A (NM_133378.4); c.42043+6C>A (NM_001256850.1).
Identifiers: ClinVar variation 4985404 (VCV004985404.1).